The following is an entry in ClinVar:

ClinVar aggregate classification (germline): Pathogenic. Review status: criteria provided, multiple submitters, no conflicts (2 of 4 stars). 6 submissions from 6 submitters: Pathogenic (4). 2 of the submissions do not count toward it. Last evaluated 2023-03-20.

Conditions:
Aplastic anemia. Identifiers: Orphanet 182040, Orphanet 88, MedGen C0002874, MONDO:0015909, OMIM 609135, HP:0001915.
Microcephaly, normal intelligence and immunodeficiency (NBS). Also called: Immunodeficiency, microcephaly with normal intelligence; IMMUNODEFICIENCY, MICROCEPHALY, AND CHROMOSOMAL INSTABILITY; Ataxia telangiectasia variant V1; BERLIN BREAKAGE SYNDROME; SEEMANOVA SYNDROME II; Nijmegen breakage syndrome. Identifiers: Orphanet 647, MedGen C0398791, MONDO:0009623, OMIM 251260.

Submissions (6):

GeneDx
Classification: Pathogenic. Last evaluated: 2023-03-20. Review status: criteria provided, single submitter. Criteria: GeneDx Variant Classification Process June 2021. Collection method: clinical testing. Allele origin: germline. Affected: yes.
Comment: Nonsense variant predicted to result in protein truncation or nonsense mediated decay in a gene for which loss of function is a known mechanism of disease; Not observed at significant frequency in large population cohorts (gnomAD); Published functional studies demonstrate complete loss of NBN protein (Nakanishi et al., 2002); This variant is associated with the following publications: (PMID: 25525159, 18575580, 15451479, 30287823, 15593232, 29922827, 33082212, 35767752, 16033915, 12447395)

Baylor Genetics
Classification: Pathogenic for Aplastic anemia. Last evaluated: 2023-03-15. Review status: criteria provided, single submitter. Criteria: ACMG Guidelines, 2015. Collection method: clinical testing. Allele origin: unknown.

Women's Health and Genetics/Laboratory Corporation of America, LabCorp
Classification: Pathogenic for Microcephaly, normal intelligence and immunodeficiency. Last evaluated: 2022-11-25. Review status: criteria provided, single submitter. Criteria: LabCorp Variant Classification Summary - May 2015. Collection method: clinical testing. Allele origin: germline.
Comment: Variant summary: NBN c.1089C>A (p.Tyr363X) results in a premature termination codon, predicted to cause a truncation of the encoded protein or absence of the protein due to nonsense mediated decay, which are commonly known mechanisms for disease. Truncations downstream of this position have been classified as pathogenic by our laboratory. The variant allele was found at a frequency of 4e-06 in 251406 control chromosomes (gnomAD). c.1089C>A has been reported in the literature in multiple homozygous individuals affected with Nijmegen Breakage Syndrome and the variant segregated with the disease (examples: Nakanishi_2002 and New_2005). These data indicate that the variant is very likely to be associated with disease. At least one publication reports experimental evidence evaluating an impact on protein. Using immunoblotting Nakanishi_2002 have demonstrated that this variant results in complete absence of the protein. Two clinical diagnostic laboratories have submitted clinical-significance assessments for this variant to ClinVar after 2014 and classified the variant as pathogenic. Based on the evidence outlined above, the variant was classified as pathogenic.

Labcorp Genetics (formerly Invitae), Labcorp
Classification: Pathogenic for Microcephaly, normal intelligence and immunodeficiency. Last evaluated: 2021-10-18. Review status: criteria provided, single submitter. Criteria: Invitae Variant Classification Sherloc (09022015). Collection method: clinical testing. Allele origin: germline.
Comment: For these reasons, this variant has been classified as Pathogenic. ClinVar contains an entry for this variant (Variation ID: 6947). This sequence change creates a premature translational stop signal (p.Tyr363*) in the NBN gene. It is expected to result in an absent or disrupted protein product. Loss-of-function variants in NBN are known to be pathogenic (PMID: 9590180, 16415040). This variant is present in population databases (rs121908974, gnomAD 0.003%). This premature translational stop signal has been observed in individual(s) with clinical features of Nijmegen breakage syndrome who were homozygous for the variant (PMID: 12447395, 15593232).

OMIM
Classification: Pathogenic for NIJMEGEN BREAKAGE SYNDROME. Last evaluated: 2002-12-01. Review status: no assertion criteria provided. Collection method: literature only. Allele origin: germline. Not counted in ClinVar's aggregate classification.

GeneReviews
No classification provided. Condition: Microcephaly, normal intelligence and immunodeficiency. Review status: no classification provided. Collection method: literature only. Allele origin: germline. Not counted in ClinVar's aggregate classification.

Literature cited by the submitters: PubMed 18575580 (cited by Women's Health and Genetics/Laboratory Corporation of America, LabCorp); PubMed 12447395 (cited by 3 submitters); PubMed 15593232 (cited by 3 submitters); PubMed 9590180 (cited by Labcorp Genetics (formerly Invitae), Labcorp); PubMed 16415040 (cited by Labcorp Genetics (formerly Invitae), Labcorp); PubMed 15451479 (cited by GeneReviews); NCBI Bookshelf NBK1176 (cited by GeneReviews).

NM_002485.5(NBN):c.1089C>A (p.Tyr363Ter)

Gene: NBN (nibrin; minus strand). Cytogenetic location: 8q21.3.
Variant type: single nucleotide variant.
Coding change: c.1089C>A on transcript NM_002485.5 (MANE Select); coding-DNA position 1089, C replaced by A.
Protein change: p.Tyr363Ter; replaces tyrosine 363 with a stop codon.
Molecular consequence: nonsense.
Genome position (GRCh38, 1-based): chr8:89,958,760, G>T on the plus strand (C>A on the coding strand, the complement: NBN is on the minus strand). VCF-style: chr8-89958760-G-T. GRCh37 (hg19) VCF-style: chr8-90970988-G-T.
Other names: Y363*; c.843C>A, p.Tyr281Ter (NM_001024688.3); short protein forms Y281*.
Identifiers: ClinVar variation 6947 (VCV000006947.15), dbSNP rs121908974, ClinGen allele CA254010.